The following is an entry in ClinVar:

NM_001111125.3(IQSEC2):c.145G>A (p.Gly49Ser)

Gene: IQSEC2 (IQ motif and Sec7 domain ArfGEF 2; minus strand). Cytogenetic location: Xp11.22.
Variant type: single nucleotide variant.
Coding change: c.145G>A on transcript NM_001111125.3 (MANE Select); coding-DNA position 145, G replaced by A.
Protein change: p.Gly49Ser; replaces glycine 49 with serine.
Molecular consequence: missense variant.
Genome position (GRCh38, 1-based): chrX:53,320,979, C>T on the plus strand (G>A on the coding strand, the complement: IQSEC2 is on the minus strand). VCF-style: chrX-53320979-C-T. GRCh37 (hg19) VCF-style: chrX-53350177-C-T.
Other names: short protein forms G49S.
Identifiers: ClinVar variation 1511854 (VCV001511854.8), dbSNP rs2146552703, ClinGen allele CA413240010.

ClinVar aggregate classification (germline): Uncertain significance (1 of 4 stars; one submission).

Conditions:
Intellectual developmental disorder, X-linked 1. Also called: Intellectual disability, X-linked 1; Atkin Flaitz Patil Smith syndrome; MENTAL RETARDATION, X-LINKED 18; MENTAL RETARDATION, X-LINKED 78. Identifiers: Orphanet 777, MedGen C2931498, MONDO:0010656, OMIM 309530.

Allele frequency attached by ClinVar (database versions not stated): gnomAD exomes below 0.00001.
gnomAD v4.1: 1 of 1,159,477 alleles (0.000086%); highest among the groups gnomAD compares: Non-Finnish European, 0.00011%; no homozygotes.

Submission:

Labcorp Genetics (formerly Invitae), Labcorp
Classification: Uncertain significance for Intellectual developmental disorder, X-linked 1. Last evaluated: 2021-02-19. Review status: criteria provided, single submitter. Criteria: Invitae Variant Classification Sherloc (09022015). Collection method: clinical testing. Allele origin: germline.
Comment: In summary, the available evidence is currently insufficient to determine the role of this variant in disease. Therefore, it has been classified as a Variant of Uncertain Significance. Advanced modeling of protein sequence and biophysical properties (such as structural, functional, and spatial information, amino acid conservation, physicochemical variation, residue mobility, and thermodynamic stability) performed at Invitae indicates that this missense variant is not expected to disrupt IQSEC2 protein function. This variant has not been reported in the literature in individuals with IQSEC2-related conditions. The frequency data for this variant in the population databases is considered unreliable, as metrics indicate insufficient coverage at this position in the ExAC database. This sequence change replaces glycine with serine at codon 49 of the IQSEC2 protein (p.Gly49Ser). The glycine residue is weakly conserved and there is a small physicochemical difference between glycine and serine.